The following is an entry in ClinVar:

ClinVar aggregate classification (germline): Likely benign (0 of 4 stars; one submission).

Conditions:
TUB-related disorder. Also called: TUB-related condition.

gnomAD v4.1: 25 of 1,614,036 alleles (0.0015%); highest among the groups gnomAD compares: Admixed American, 0.0033%; no homozygotes.

Submission:

PreventionGenetics, part of Exact Sciences
Classification: Likely benign for TUB-related condition. Last evaluated: 2022-06-20. Review status: no assertion criteria provided. Collection method: clinical testing. Allele origin: germline.
Comment: This variant is classified as likely benign based on ACMG/AMP sequence variant interpretation guidelines (Richards et al. 2015 PMID: 25741868, with internal and published modifications).

NM_177972.3(TUB):c.*10C>T

Genes: RIC3 (RIC3 acetylcholine receptor chaperone; minus strand), TUB (TUB bipartite transcription factor; plus strand). Cytogenetic location: 11p15.4.
Variant type: single nucleotide variant.
Coding change: c.*10C>T on transcript NM_177972.3 (MANE Select); 10 bases downstream of the stop codon, C replaced by T.
Molecular consequence: 3 prime UTR variant.
Genome position (GRCh38, 1-based): chr11:8,101,629, C>T. VCF-style: chr11-8101629-C-T. GRCh37 (hg19) VCF-style: chr11-8123176-C-T.
Other names: c.*10C>T (NM_003320.5).
Identifiers: ClinVar variation 3355612 (VCV003355612.1).
Genomic context (GRCh38, chr11:8,101,629, plus strand): 5'-GCCTTTGCCATTGCCCTGTCCAGCTTCGACAGCAAGCTGGCGTGCGAGTAGAGGCCTCTT[C>T]GTGCCCTTTGGGGTTGCCCAGCCTGGAGCGGAGCTTGCCTGCCTGCCTGTGGAGACAGCC-3'